The following is an entry in ClinVar:

ClinVar aggregate classification (germline): Uncertain significance (1 of 4 stars; one submission).

Conditions:
Charcot-Marie-Tooth disease, type I (CMT1). Also called: Charcot-Marie-Tooth, Type 1; Charcot-Marie-Tooth disease type 1. Identifiers: Orphanet 65753, MedGen C0751036, MONDO:0019011.

Allele frequency attached by ClinVar (database versions not stated): TOPMed below 0.00001; gnomAD 0.00001.
gnomAD v4.1: 4 of 1,613,940 alleles (0.00025%); highest among the groups gnomAD compares: East Asian, 0.0089%; no homozygotes.

Submission:

Labcorp Genetics (formerly Invitae), Labcorp
Classification: Uncertain significance for Charcot-Marie-Tooth disease, type I. Last evaluated: 2023-02-22. Review status: criteria provided, single submitter. Criteria: Invitae Variant Classification Sherloc (09022015). Collection method: clinical testing. Allele origin: germline.
Comment: In summary, the available evidence is currently insufficient to determine the role of this variant in disease. Therefore, it has been classified as a Variant of Uncertain Significance. Variants that disrupt the consensus splice site are a relatively common cause of aberrant splicing (PMID: 17576681, 9536098). Algorithms developed to predict the effect of sequence changes on RNA splicing suggest that this variant may create or strengthen a splice site. This variant has not been reported in the literature in individuals affected with MPZ-related conditions. This variant is present in population databases (no rsID available, gnomAD 0.01%). This sequence change falls in intron 1 of the MPZ gene. It does not directly change the encoded amino acid sequence of the MPZ protein. It affects a nucleotide within the consensus splice site.

Literature cited by the submitters: PubMed 17576681; PubMed 9536098.

NM_000530.8(MPZ):c.68-3C>T

Gene: MPZ (myelin protein zero; minus strand). Cytogenetic location: 1q23.3.
Variant type: single nucleotide variant.
Coding change: c.68-3C>T on transcript NM_000530.8 (MANE Select); 3 bases into the intron before coding-DNA position 68, C replaced by T.
Molecular consequence: intron variant.
Genome position (GRCh38, 1-based): chr1:161,307,427, G>A on the plus strand (C>T on the coding strand, the complement: MPZ is on the minus strand). VCF-style: chr1-161307427-G-A. GRCh37 (hg19) VCF-style: chr1-161277217-G-A.
Other names: c.68-3C>T (NM_001315491.2).
Identifiers: ClinVar variation 2712048 (VCV002712048.3), dbSNP rs1182729605, ClinGen allele CA527135360.